The following is an entry in ClinVar:

NM_015330.6(SPECC1L):c.1024A>G (p.Met342Val)

Genes: SPECC1L (sperm antigen with calponin homology and coiled-coil domains 1 like; plus strand), SPECC1L-ADORA2A (SPECC1L-ADORA2A readthrough (NMD candidate); plus strand). Cytogenetic location: 22q11.23.
Variant type: single nucleotide variant.
Coding change: c.1024A>G on transcript NM_015330.6 (MANE Select); coding-DNA position 1024, A replaced by G.
Protein change: p.Met342Val; replaces methionine 342 with valine.
Molecular consequence: missense variant. On other transcripts: non-coding transcript variant (1).
Genome position (GRCh38, 1-based): chr22:24,322,004, A>G. VCF-style: chr22-24322004-A-G. GRCh37 (hg19) VCF-style: chr22-24717972-A-G.
Other names: c.1024A>G, p.Met342Val (NM_001145468.4, NM_001254732.3); short protein forms M342V.
Identifiers: ClinVar variation 1708334 (VCV001708334.2), dbSNP rs754533880, ClinGen allele CA10152057.

ClinVar aggregate classification (germline): Uncertain significance (1 of 4 stars; one submission).

Allele frequency attached by ClinVar (database versions not stated): gnomAD exomes below 0.00001; TOPMed below 0.00001; ExAC 0.00001; gnomAD 0.00001.
gnomAD v4.1: 9 of 1,614,096 alleles (0.00056%); highest among the groups gnomAD compares: Admixed American, 0.0033%; no homozygotes.

Submission:

Centre of Medical Genetics, University Hospital Muenster
Classification: Uncertain significance. Last evaluated: 2021-12-17. Review status: criteria provided, single submitter. Criteria: ACMG Guidelines, 2015. Collection method: clinical testing. Allele origin: unknown. Affected: yes. Observed: 1 variant allele, 1 heterozygote.
Comment: ACMG categories: PM2,BP1